The following is an entry in ClinVar:

NM_005502.4(ABCA1):c.*1911C>T

Genes: ABCA1 (ATP binding cassette subfamily A member 1; minus strand), NIPSNAP3B (nipsnap homolog 3B; plus strand). Cytogenetic location: 9q31.1.
Variant type: single nucleotide variant.
Coding change: c.*1911C>T on transcript NM_005502.4 (MANE Select); 1911 bases downstream of the stop codon, C replaced by T.
Molecular consequence: 3 prime UTR variant.
Genome position (GRCh38, 1-based): chr9:104,782,404, G>A on the plus strand (C>T on the coding strand, the complement: ABCA1 is on the minus strand). VCF-style: chr9-104782404-G-A. GRCh37 (hg19) VCF-style: chr9-107544685-G-A.
Identifiers: ClinVar variation 364339 (VCV000364339.8), dbSNP rs4149340, ClinGen allele CA10626124.

ClinVar aggregate classification (germline): Benign. Review status: criteria provided, multiple submitters, no conflicts (2 of 4 stars). 4 submissions from 3 submitters: Benign (4). Last evaluated 2021-05-10.

Conditions:
Hypoalphalipoproteinemia, primary, 1. Identifiers: Orphanet 425, MedGen C5231558, MONDO:0011393, OMIM 604091.
Tangier disease (TGD). Also called: HIGH DENSITY LIPOPROTEIN DEFICIENCY, TANGIER TYPE; HIGH DENSITY LIPOPROTEIN DEFICIENCY, TYPE 1; Cholesterol thesaurismosis. Identifiers: Orphanet 31150, MedGen C0039292, MONDO:0008783, OMIM 205400.

Allele frequency attached by ClinVar (database versions not stated): gnomAD 0.03281 and 0.03503; TOPMed 0.03923; 1000 Genomes Project 30x 0.07792; 1000 Genomes Project 0.07967.

Submissions (4):

GeneDx
Classification: Benign. Last evaluated: 2021-05-10. Review status: criteria provided, single submitter. Criteria: GeneDx Variant Classification Process June 2021. Collection method: clinical testing. Allele origin: germline. Affected: yes.

Illumina Laboratory Services, Illumina
Classification: Benign for Tangier disease. Last evaluated: 2018-01-13. Review status: criteria provided, single submitter. Criteria: ICSL Variant Classification Criteria 13 December 2019. Collection method: clinical testing. Allele origin: germline.
Comment: This variant was observed in the ICSL laboratory as part of a predisposition screen in an ostensibly healthy population. It had not been previously curated by ICSL or reported in the Human Gene Mutation Database (HGMD: prior to June 1st, 2018), and was therefore a candidate for classification through an automated scoring system. Utilizing variant allele frequency, disease prevalence and penetrance estimates, and inheritance mode, an automated score was calculated to assess if this variant is too frequent to cause the disease. Based on the score and internal cut-off values, a variant classified as benign is not then subjected to further curation. The score for this variant resulted in a classification of benign for this disease.

Illumina Laboratory Services, Illumina
Classification: Benign for Hypoalphalipoproteinemia, primary, 1. Last evaluated: 2018-01-13. Review status: criteria provided, single submitter. Criteria: ICSL Variant Classification Criteria 13 December 2019. Collection method: clinical testing. Allele origin: germline.
Comment: the same text as in the submission from Illumina Laboratory Services, Illumina above.

Breakthrough Genomics
Classification: Benign. Review status: criteria provided, single submitter. Criteria: ACMG Guidelines, 2015. Collection method: not provided. Allele origin: germline. Inheritance: Autosomal recessive inheritance. Affected: yes.